The following is an entry in ClinVar:

NM_000489.6(ATRX):c.3197A>G (p.Lys1066Arg)

Gene: ATRX (ATRX chromatin remodeler; minus strand). Cytogenetic location: Xq21.1.
Variant type: single nucleotide variant.
Coding change: c.3197A>G on transcript NM_000489.6 (MANE Select); coding-DNA position 3197, A replaced by G.
Protein change: p.Lys1066Arg; replaces lysine 1066 with arginine.
Molecular consequence: missense variant.
Genome position (GRCh38, 1-based): chrX:77,682,059, T>C on the plus strand (A>G on the coding strand, the complement: ATRX is on the minus strand). VCF-style: chrX-77682059-T-C. GRCh37 (hg19) VCF-style: chrX-76937551-T-C.
Other names: c.3083A>G, p.Lys1028Arg (NM_138270.5); short protein forms K1028R, K1066R.
Identifiers: ClinVar variation 3365623 (VCV003365623.2).
Genomic context (GRCh38, chrX:77,682,059, plus strand): 5'-GCTCCATTCTTACTCTTTTTATCCTCTGAAGAGTCACAACTATCTCCTTTCCCTGTTGAC[T>C]TCTCAGCATAATCAGATAATTCATCCTTCTTTTTAGAAGTTTTATCTCTTATTTTTTTAC-3'
Protein context (NP_000480.3, residues 1056-1076): KKDELSDYAE[Lys1066Arg]STGKGDSCDS

ClinVar aggregate classification (germline): Uncertain significance. Review status: criteria provided, multiple submitters, no conflicts (2 of 4 stars). 2 submissions from 2 submitters: Uncertain significance (2). Last evaluated 2025-08-12.

Conditions:
Inborn genetic diseases. Identifiers: MedGen C0950123, MeSH D030342.

gnomAD v4.1: 6 of 1,211,169 alleles (0.0005%); highest among the groups gnomAD compares: Non-Finnish European, 0.00067%; no homozygotes.

Submissions (2):

Ambry Genetics
Classification: Uncertain significance for Inborn genetic diseases. Last evaluated: 2025-08-12. Review status: criteria provided, single submitter. Criteria: Ambry Variant Classification Scheme 2023. Collection method: clinical testing. Allele origin: germline.

GeneDx
Classification: Uncertain significance. Last evaluated: 2023-12-13. Review status: criteria provided, single submitter. Criteria: GeneDx Variant Classification Process June 2021. Collection method: clinical testing. Allele origin: germline. Affected: yes.
Comment: Not observed at significant frequency in large population cohorts (gnomAD); In silico analysis supports that this missense variant does not alter protein structure/function; Has not been previously published as pathogenic or benign to our knowledge